The following is an entry in ClinVar:

NM_001429.4(EP300):c.3553A>G (p.Ile1185Val)

Gene: EP300 (EP300 lysine acetyltransferase; plus strand). Cytogenetic location: 22q13.2.
Variant type: single nucleotide variant.
Coding change: c.3553A>G on transcript NM_001429.4 (MANE Select); coding-DNA position 3553, A replaced by G.
Protein change: p.Ile1185Val; replaces isoleucine 1185 with valine.
Molecular consequence: missense variant.
Genome position (GRCh38, 1-based): chr22:41,158,463, A>G. VCF-style: chr22-41158463-A-G. GRCh37 (hg19) VCF-style: chr22-41554467-A-G.
Other names: c.3475A>G, p.Ile1159Val (NM_001362843.2); c.3553A>G (NM_001429.3); short protein forms I1159V, I1185V.
Identifiers: ClinVar variation 2807669 (VCV002807669.4), dbSNP rs1489896703, ClinGen allele CA411695475.
Genomic context (GRCh38, chr22:41,158,463, plus strand): 5'-CTTTTGCAGTTGGAGTTCTCTCCACAGACACTGTGTTGCTACGGCAAACAGTTGTGCACA[A>G]TACCTCGTGATGCCACTTATTACAGTTACCAGAACAGGTAAGCTTGGCCAGGTGTGGACC-3'
Protein context (NP_001420.2, residues 1175-1195): LCCYGKQLCT[Ile1185Val]PRDATYYSYQ

ClinVar aggregate classification (germline): Uncertain significance. Review status: criteria provided, multiple submitters, no conflicts (2 of 4 stars). 2 submissions from 2 submitters: Uncertain significance (2). Last evaluated 2025-04-04.

Conditions:
EP300-related disorder. Also called: EP300-related disorders; EP300-related condition.
Rubinstein-Taybi syndrome due to EP300 haploinsufficiency. Also called: EP300-Related Rubinstein-Taybi Syndrome; RUBINSTEIN-TAYBI SYNDROME 2. Identifiers: Orphanet 353284, Orphanet 783, MedGen C3150941, MONDO:0013364, OMIM 613684.

Allele frequency attached by ClinVar (database versions not stated): gnomAD exomes below 0.00001; TOPMed 0.00001.
gnomAD v4.1: 5 of 1,614,202 alleles (0.00031%); highest among the groups gnomAD compares: Admixed American, 0.0017%; no homozygotes.

Submissions (2):

PreventionGenetics, part of Exact Sciences
Classification: Uncertain significance for EP300-related condition. Last evaluated: 2025-04-04. Review status: criteria provided, single submitter. Criteria: ACMG Guidelines, 2015. Collection method: clinical testing. Allele origin: germline.
Comment: The EP300 c.3553A>G variant is predicted to result in the amino acid substitution p.Ile1185Val. To our knowledge, this variant has not been reported in the literature or in a large population database (gnomAD), indicating this variant is rare. At this time, the clinical significance of this variant is uncertain due to the absence of conclusive functional and genetic evidence.

Labcorp Genetics (formerly Invitae), Labcorp
Classification: Uncertain significance for Rubinstein-Taybi syndrome due to EP300 haploinsufficiency. Last evaluated: 2023-01-02. Review status: criteria provided, single submitter. Criteria: Invitae Variant Classification Sherloc (09022015). Collection method: clinical testing. Allele origin: germline.
Comment: In summary, the available evidence is currently insufficient to determine the role of this variant in disease. Therefore, it has been classified as a Variant of Uncertain Significance. Advanced modeling of protein sequence and biophysical properties (such as structural, functional, and spatial information, amino acid conservation, physicochemical variation, residue mobility, and thermodynamic stability) performed at Invitae indicates that this missense variant is expected to disrupt EP300 protein function. This variant has not been reported in the literature in individuals affected with EP300-related conditions. This variant is not present in population databases (gnomAD no frequency). This sequence change replaces isoleucine, which is neutral and non-polar, with valine, which is neutral and non-polar, at codon 1185 of the EP300 protein (p.Ile1185Val).